The following is an entry in ClinVar:

ClinVar aggregate classification (germline): Uncertain significance (1 of 4 stars; one submission).

Allele frequency attached by ClinVar (database versions not stated): gnomAD exomes below 0.00001 and 0.00001; gnomAD 0.00001; ExAC 0.00008.
gnomAD v4.1: 6 of 1,547,124 alleles (0.00039%); highest among the groups gnomAD compares: Non-Finnish European, 0.00052%; no homozygotes.

Submission:

Labcorp Genetics (formerly Invitae), Labcorp
Classification: Uncertain significance. Last evaluated: 2025-06-19. Review status: criteria provided, single submitter. Criteria: Invitae Variant Classification Sherloc (09022015). Collection method: clinical testing. Allele origin: germline.
Comment: This sequence change replaces proline, which is neutral and non-polar, with serine, which is neutral and polar, at codon 40 of the COL9A3 protein (p.Pro40Ser). The frequency data for this variant in the population databases is considered unreliable, as metrics indicate poor data quality at this position in the gnomAD database. This variant has not been reported in the literature in individuals affected with COL9A3-related conditions. ClinVar contains an entry for this variant (Variation ID: 1421660). Invitae Evidence Modeling of protein sequence and biophysical properties (such as structural, functional, and spatial information, amino acid conservation, physicochemical variation, residue mobility, and thermodynamic stability) indicates that this missense variant is not expected to disrupt COL9A3 protein function with a negative predictive value of 95%. In summary, the available evidence is currently insufficient to determine the role of this variant in disease. Therefore, it has been classified as a Variant of Uncertain Significance.

NM_001853.4(COL9A3):c.118C>T (p.Pro40Ser)

Gene: COL9A3 (collagen type IX alpha 3 chain; plus strand). Cytogenetic location: 20q13.33.
Variant type: single nucleotide variant.
Coding change: c.118C>T on transcript NM_001853.4 (MANE Select); coding-DNA position 118, C replaced by T.
Protein change: p.Pro40Ser; replaces proline 40 with serine.
Molecular consequence: missense variant.
Genome position (GRCh38, 1-based): chr20:62,817,606, C>T. VCF-style: chr20-62817606-C-T. GRCh37 (hg19) VCF-style: chr20-61448958-C-T.
Other names: short protein forms P40S.
Identifiers: ClinVar variation 1421660 (VCV001421660.9), dbSNP rs747432636, ClinGen allele CA9949007.
Genomic context (GRCh38, chr20:62,817,606, plus strand): 5'-AATGAGTTTTCTCCGTTTCAGAGAGTGGGACTCCCCGGCCCCCCCGGCCCCCCAGGGCCG[C>T]CCGGGAAGCCCGGCCAGGACGGCATTGACGTGAGTTTGGGGGTGGGGAGGGCCCCGAGCG-3'
Protein context (NP_001844.3, residues 30-50): LPGPPGPPGP[Pro40Ser]GKPGQDGIDG